The following is an entry in ClinVar:

ClinVar aggregate classification (germline): Pathogenic. Review status: reviewed by expert panel (3 of 4 stars). 4 submissions from 4 submitters: Pathogenic (1). 3 of the submissions do not count toward it. Last evaluated 2016-09-08.

Conditions:
Breast-ovarian cancer, familial, susceptibility to, 2 (BROVCA2). Also called: BRCA2 Hereditary Breast and Ovarian Cancer. Identifiers: Orphanet 145, MedGen C2675520, MONDO:0012933, OMIM 612555. Disease mechanism: loss of function.
Malignant tumor of breast. Also called: Cancer breast; Malignant breast neoplasm. Identifiers: MedGen C0006142, MONDO:0007254. Disease mechanism: loss of function.

Submissions (4):

Evidence-based Network for the Interpretation of Germline Mutant Alleles (ENIGMA)
Classification: Pathogenic for Breast-ovarian cancer, familial, susceptibility to, 2. Last evaluated: 2016-09-08. Review status: reviewed by expert panel. Criteria: ENIGMA BRCA1/2 Classification Criteria (2015). Collection method: curation. Allele origin: germline.
Comment: Variant allele predicted to encode a truncated non-functional protein.

Consortium of Investigators of Modifiers of BRCA1/2 (CIMBA), c/o University of Cambridge
Classification: Pathogenic for Breast-ovarian cancer, familial, susceptibility to, 2. Last evaluated: 2015-10-02. Review status: criteria provided, single submitter. Criteria: CIMBA Mutation Classification guidelines May 2016. Collection method: clinical testing. Allele origin: germline. Not counted in ClinVar's aggregate classification.

Institute of Human Genetics, Medical University Innsbruck
Classification: Pathogenic for Breast-ovarian cancer, familial 2. Last evaluated: 2015-02-11. Review status: no assertion criteria provided. Criteria: clinical testing. Collection method: clinical testing. Allele origin: germline. Affected: yes. Study: BRCA-Tyrol. Not counted in ClinVar's aggregate classification.
Comment: BRCA-mutation spectrum Western Austria

Department of Pathology and Laboratory Medicine, Sinai Health System
Classification: Pathogenic for Malignant tumor of breast. Review status: no assertion criteria provided. Collection method: clinical testing. Allele origin: unknown. Affected: yes. Study: The Canadian Open Genetics Repository (COGR). Not counted in ClinVar's aggregate classification.
Comment: The BRCA2 p.Glu238* variant was not identified in the literature nor was it identified in the UMD-LSDB database. The variant was identified in dbSNP (ID: rs56383036) as "With Pathogenic, Uncertain significance allele", ClinVar (classified as pathogenic by three submitters), and in LOVD 3.0 (4X as pathogenic).The variant was not identified in the following control databases: the Exome Aggregation Consortium (August 8th 2016), or the Genome Aggregation Database (Feb 27, 2017). The c.712G>T variant leads to a premature stop codon at position 238 which is predicted to lead to a truncated or absent protein and loss of function. Loss of function variants of the BRCA2 gene are an established mechanism of disease in BRCA2 associated cancers and is the type of variant expected to cause the disorder. In summary, based on the above information this variant meets our laboratoryâ€šÃ„Ã´s criteria to be classified as pathogenic.

NM_000059.4(BRCA2):c.712G>T (p.Glu238Ter)

Gene: BRCA2 (BRCA2 DNA repair associated; plus strand). Cytogenetic location: 13q13.1.
Variant type: single nucleotide variant.
Coding change: c.712G>T on transcript NM_000059.4 (MANE Select); coding-DNA position 712, G replaced by T.
Protein change: p.Glu238Ter; replaces glutamic acid 238 with a stop codon.
Molecular consequence: nonsense.
Genome position (GRCh38, 1-based): chr13:32,330,949, G>T. VCF-style: chr13-32330949-G-T. GRCh37 (hg19) VCF-style: chr13-32905086-G-T.
Other names: short protein forms E238*.
Identifiers: ClinVar variation 183182 (VCV000183182.6), dbSNP rs56383036, ClinGen allele CA024893.